The following is an entry in ClinVar:

ClinVar aggregate classification (germline): Uncertain significance. Review status: criteria provided, multiple submitters, no conflicts (2 of 4 stars). 2 submissions from 2 submitters: Uncertain significance (2). Last evaluated 2025-06-25.

Conditions:
Inborn genetic diseases. Identifiers: MedGen C0950123, MeSH D030342.

Submissions (2):

Ambry Genetics
Classification: Uncertain significance for Inborn genetic diseases. Last evaluated: 2025-06-25. Review status: criteria provided, single submitter. Criteria: Ambry Variant Classification Scheme 2023. Collection method: clinical testing. Allele origin: germline.
Comment: The p.A592E variant (also known as c.1775C>A), located in coding exon 1 of the SAMD9 gene, results from a C to A substitution at nucleotide position 1775. The alanine at codon 592 is replaced by glutamic acid, an amino acid with dissimilar properties. This amino acid position is conserved. In addition, this alteration is predicted to be tolerated by in silico analysis. Based on the available evidence, the clinical significance of this variant remains unclear.

Labcorp Genetics (formerly Invitae), Labcorp
Classification: Uncertain significance. Last evaluated: 2022-03-24. Review status: criteria provided, single submitter. Criteria: Invitae Variant Classification Sherloc (09022015). Collection method: clinical testing. Allele origin: germline.
Comment: This sequence change replaces alanine, which is neutral and non-polar, with glutamic acid, which is acidic and polar, at codon 592 of the SAMD9 protein (p.Ala592Glu). This variant is not present in population databases (gnomAD no frequency). In summary, the available evidence is currently insufficient to determine the role of this variant in disease. Therefore, it has been classified as a Variant of Uncertain Significance. Algorithms developed to predict the effect of missense changes on protein structure and function are either unavailable or do not agree on the potential impact of this missense change (SIFT: "Tolerated"; PolyPhen-2: "Possibly Damaging"; Align-GVGD: "Class C0"). This variant has not been reported in the literature in individuals affected with SAMD9-related conditions.

NM_017654.4(SAMD9):c.1775C>A (p.Ala592Glu)

Gene: SAMD9 (sterile alpha motif domain containing 9; minus strand). Cytogenetic location: 7q21.2.
Variant type: single nucleotide variant.
Coding change: c.1775C>A on transcript NM_017654.4 (MANE Select); coding-DNA position 1775, C replaced by A.
Protein change: p.Ala592Glu; replaces alanine 592 with glutamic acid.
Molecular consequence: missense variant.
Genome position (GRCh38, 1-based): chr7:93,104,323, G>T on the plus strand (C>A on the coding strand, the complement: SAMD9 is on the minus strand). VCF-style: chr7-93104323-G-T. GRCh37 (hg19) VCF-style: chr7-92733636-G-T.
Other names: c.1775C>A (NM_017654.3); c.1775C>A, p.Ala592Glu (NM_001193307.2); short protein forms A592E.
Identifiers: ClinVar variation 2116507 (VCV002116507.5), dbSNP rs2535359877, ClinGen allele CA368194737.